The following is an entry in ClinVar:

NM_001206927.2(DNAH8):c.12721G>A (p.Ala4241Thr)

Gene: DNAH8 (dynein axonemal heavy chain 8; plus strand). Cytogenetic location: 6p21.2.
Variant type: single nucleotide variant.
Coding change: c.12721G>A on transcript NM_001206927.2 (MANE Select); coding-DNA position 12721, G replaced by A.
Protein change: p.Ala4241Thr; replaces alanine 4241 with threonine.
Molecular consequence: missense variant.
Genome position (GRCh38, 1-based): chr6:38,974,416, G>A. VCF-style: chr6-38974416-G-A. GRCh37 (hg19) VCF-style: chr6-38942192-G-A.
Other names: c.12070G>A, p.Ala4024Thr (NM_001371.4); short protein forms A4241T, A4024T.
Identifiers: ClinVar variation 700134 (VCV000700134.25), dbSNP rs369473998, ClinGen allele CA3791450.

ClinVar aggregate classification (germline): Likely benign. Review status: criteria provided, multiple submitters, no conflicts (2 of 4 stars). 3 submissions from 3 submitters: Likely benign (2). 1 of the submissions does not count toward it. Last evaluated 2025-10-18.

Conditions:
Spermatogenic failure 46. Identifiers: MedGen C5436799, MONDO:0033673, OMIM 619095.
Primary ciliary dyskinesia. Also called: Ciliary dyskinesia. Identifiers: Orphanet 244, MedGen C0008780, MONDO:0016575, HP:0012265.

Allele frequency attached by ClinVar (database versions not stated): gnomAD 0.00007 and 0.00015; ESP Exome Variant Server 0.00008; TOPMed 0.00014; gnomAD exomes 0.00021 and 0.00043; ExAC 0.00049; 1000 Genomes Project 30x 0.00062; 1000 Genomes Project 0.00080.
gnomAD v4.1: 335 of 1,613,854 alleles (0.021%); highest among the groups gnomAD compares: South Asian, 0.22%; 2 homozygotes.

Submissions (3):

Labcorp Genetics (formerly Invitae), Labcorp
Classification: Likely benign for Primary ciliary dyskinesia. Last evaluated: 2025-10-18. Review status: criteria provided, single submitter. Criteria: Invitae Variant Classification Sherloc (09022015). Collection method: clinical testing. Allele origin: germline.

CeGaT Center for Human Genetics Tuebingen
Classification: Likely benign. Last evaluated: 2024-11-01. Review status: criteria provided, single submitter. Criteria: CeGaT Center For Human Genetics Tuebingen Variant Classification Criteria Version 2. Collection method: clinical testing. Allele origin: germline. Affected: yes. Observed: 1 variant allele.
Comment: DNAH8: BS2

OMIM
Classification: Pathogenic for SPERMATOGENIC FAILURE 46. Last evaluated: 2020-11-13. Review status: no assertion criteria provided. Collection method: literature only. Allele origin: germline. Not counted in ClinVar's aggregate classification.

Literature cited by the submitters: PubMed 32619401 (cited by OMIM).